The following is an entry in ClinVar:

ClinVar aggregate classification (germline): Pathogenic/Likely pathogenic. Review status: criteria provided, multiple submitters, no conflicts (2 of 4 stars). 7 submissions from 6 submitters: Pathogenic (1); Likely pathogenic (6). Last evaluated 2025-08-19.

Conditions:
ABCA4-related disorder. Also called: ABCA4-related condition; ABCA4-related disorders. Identifiers: MedGen CN239167.
Retinal dystrophy. Also called: Inherited retinal dystrophy. Identifiers: Orphanet 71862, MedGen C0854723, MeSH D058499, MONDO:0019118, HP:0000556.
Stargardt disease (FFM). Also called: Stargardt's disease; Fundus flavimaculatus. Identifiers: Orphanet 827, MedGen C0271093, MONDO:0019353.
Severe early-childhood-onset retinal dystrophy (STGD1). Also called: Stargardt macular dystrophy; Juvenile onset macular degeneration; Stargardt disease 1; STGD; MACULAR DYSTROPHY WITH FLECKS, TYPE 1. Identifiers: Orphanet 364055, Orphanet 827, MedGen C1855465, MeSH D000080362, MONDO:0009549, OMIM 248200.

Allele frequency attached by ClinVar (database versions not stated): gnomAD exomes 0.00001 and below 0.00001; TOPMed 0.00002; ExAC 0.00001; gnomAD 0.00001.
gnomAD v4.1: 14 of 1,613,922 alleles (0.00087%); highest among the groups gnomAD compares: Non-Finnish European, 0.0012%; no homozygotes.

Submissions (7):

Labcorp Genetics (formerly Invitae), Labcorp
Classification: Pathogenic. Last evaluated: 2025-08-19. Review status: criteria provided, single submitter. Criteria: Invitae Variant Classification Sherloc (09022015). Collection method: clinical testing. Allele origin: germline.
Comment: This sequence change replaces proline, which is neutral and non-polar, with leucine, which is neutral and non-polar, at codon 870 of the ABCA4 protein (p.Pro870Leu). This variant is present in population databases (rs746566873, gnomAD 0.0009%). This missense change has been observed in individuals with cone dystrophy and/or Stargardt disease (PMID: 25474345, 28118664, 29925512, 32531858; internal data). ClinVar contains an entry for this variant (Variation ID: 236093). Invitae Evidence Modeling of protein sequence and biophysical properties (such as structural, functional, and spatial information, amino acid conservation, physicochemical variation, residue mobility, and thermodynamic stability) indicates that this missense variant is expected to disrupt ABCA4 protein function with a positive predictive value of 95%. For these reasons, this variant has been classified as Pathogenic.

Women's Health and Genetics/Laboratory Corporation of America, LabCorp
Classification: Likely pathogenic for Stargardt disease. Last evaluated: 2025-03-27. Review status: criteria provided, single submitter. Criteria: LabCorp Variant Classification Summary - May 2015. Collection method: clinical testing. Allele origin: germline.
Comment: Variant summary: ABCA4 c.2609C>T (p.Pro870Leu) results in a non-conservative amino acid change in the encoded protein sequence. Five of five in-silico tools predict a damaging effect of the variant on protein function. The variant allele was found at a frequency of 4e-06 in 251428 control chromosomes. c.2609C>T has been reported in the presumed or confirmed compound heterozygous state in the literature in individuals affected with ABCA4-related disorders (e.g., Daich_2023, Fujinami_2019, Kiel_2024, Schulz_2017, Weisschuh_2020, Zaneveld_2015, Saleh_2021, Labcorp Genetics (formerly Invitae)). These data indicate that the variant is likely to be associated with disease. To our knowledge, no experimental evidence demonstrating an impact on protein function has been reported. The following publications have been ascertained in the context of this evaluation (PMID: 37331482, 29925512, 39462066, 28118664, 32531858, 25474345). ClinVar contains an entry for this variant (Variation ID: 236093). Based on the evidence outlined above, the variant was classified as likely pathogenic.

Blueprint Genetics
Classification: Likely pathogenic for ABCA4-related disorders. Last evaluated: 2024-05-23. Review status: criteria provided, single submitter. Criteria: ACMG Guidelines, 2015. Collection method: clinical testing. Allele origin: germline. Affected: yes. Observed: 5 variant alleles.

PreventionGenetics, part of Exact Sciences
Classification: Likely pathogenic for ABCA4-related condition. Last evaluated: 2023-08-03. Review status: criteria provided, single submitter. Criteria: ACMG Guidelines, 2015. Collection method: clinical testing. Allele origin: germline.
Comment: The ABCA4 c.2609C>T variant is predicted to result in the amino acid substitution p.Pro870Leu. This variant has been reported along with a second ABCA4 in multiple individuals with Stargardt disease (Table S2, Zaneveld et al. 2015. PubMed ID: 25474345; Table S2, Schulz et al. 2017. PubMed ID: 28118664; Table S1, Fujinami et al. 2018. PubMed ID: 29925512; Table S2, Weisschuh et al. 2020. PubMed ID: 32531858). This variant is reported in 0.00088% of alleles in individuals of European (Non-Finnish) descent in gnomAD. This variant is classified as likely pathogenic by multiple independent submitters to the ClinVar database. Given the evidence, we interpret c.2609C>T (p.Pro870Leu) as likely pathogenic.

GeneDx
Classification: Likely pathogenic. Last evaluated: 2023-06-06. Review status: criteria provided, single submitter. Criteria: GeneDx Variant Classification Process June 2021. Collection method: clinical testing. Allele origin: germline. Affected: yes.
Comment: Not observed at significant frequency in large population cohorts (gnomAD); In silico analysis supports that this missense variant has a deleterious effect on protein structure/function; This variant is associated with the following publications: (PMID: 29925512, 28118664, 32531858, Saleh2021[article], 25474345)

Institute of Human Genetics, Univ. Regensburg, Univ. Regensburg
Classification: Likely pathogenic for Retinal dystrophy. Last evaluated: 2019-01-01. Review status: criteria provided, single submitter. Criteria: ACMG Guidelines, 2015. Collection method: clinical testing. Allele origin: germline. Affected: yes.

Institute of Human Genetics, Univ. Regensburg, Univ. Regensburg
Classification: Likely pathogenic for Severe early-childhood-onset retinal dystrophy. Last evaluated: 2016-01-01. Review status: criteria provided, single submitter. Criteria: Schulz et al. (Invest Ophthalmol Vis Sci. 2017). Collection method: clinical testing. Allele origin: germline. Affected: yes. Observed: 1 heterozygote.

Literature cited by the submitters: PubMed 25474345 (cited by 3 submitters); PubMed 28118664 (cited by 3 submitters); PubMed 29925512 (cited by 3 submitters); PubMed 32531858 (cited by 3 submitters); PubMed 37331482 (cited by Women's Health and Genetics/Laboratory Corporation of America, LabCorp); PubMed 39462066 (cited by Women's Health and Genetics/Laboratory Corporation of America, LabCorp); PubMed 31964843 (cited by Institute of Human Genetics, Univ. Regensburg, Univ. Regensburg).

NM_000350.3(ABCA4):c.2609C>T (p.Pro870Leu)

Gene: ABCA4 (ATP binding cassette subfamily A member 4; minus strand). Cytogenetic location: 1p22.1.
Variant type: single nucleotide variant.
Coding change: c.2609C>T on transcript NM_000350.3 (MANE Select); coding-DNA position 2609, C replaced by T.
Protein change: p.Pro870Leu; replaces proline 870 with leucine.
Molecular consequence: missense variant.
Genome position (GRCh38, 1-based): chr1:94,051,677, G>A on the plus strand (C>T on the coding strand, the complement: ABCA4 is on the minus strand). VCF-style: chr1-94051677-G-A. GRCh37 (hg19) VCF-style: chr1-94517233-G-A.
Other names: c.2387C>T, p.Pro796Leu (NM_001425324.1); short protein forms P870L, P796L.
Identifiers: ClinVar variation 236093 (VCV000236093.18), dbSNP rs746566873, ClinGen allele CA958220.